The following is an entry in ClinVar:

NM_001684.5(ATP2B4):c.1748A>G (p.Asn583Ser)

Gene: ATP2B4 (ATPase plasma membrane Ca2+ transporting 4; plus strand). Cytogenetic location: 1q32.1.
Variant type: single nucleotide variant.
Coding change: c.1748A>G on transcript NM_001684.5 (MANE Select); coding-DNA position 1748, A replaced by G.
Protein change: p.Asn583Ser; replaces asparagine 583 with serine.
Molecular consequence: missense variant.
Genome position (GRCh38, 1-based): chr1:203,709,491, A>G. VCF-style: chr1-203709491-A-G. GRCh37 (hg19) VCF-style: chr1-203678619-A-G.
Other names: c.1748A>G, p.Asn583Ser (NM_001001396.3, NM_001365783.2, NM_001365784.2); short protein forms N583S.
Identifiers: ClinVar variation 2058863 (VCV002058863.4), dbSNP rs778053821, ClinGen allele CA35696820.
Genomic context (GRCh38, chr1:203,709,491, plus strand): 5'-ACAAGGTGTACACCTTTAACTCAGTGCGCAAGTCAATGAGCACCGTCATCAGGAATCCCA[A>G]CGGTGGCTTCCGTATGTACAGCAAGGGCGCCTCTGAGATCATCTTGCGCAAGTGAGCACC-3'
Protein context (NP_001675.3, residues 573-593): KSMSTVIRNP[Asn583Ser]GGFRMYSKGA

ClinVar aggregate classification (germline): Uncertain significance (1 of 4 stars; one submission).

Allele frequency attached by ClinVar (database versions not stated): gnomAD exomes below 0.00001; TOPMed below 0.00001.
gnomAD v4.1: 5 of 1,614,134 alleles (0.00031%); highest among the groups gnomAD compares: Admixed American, 0.0033%; no homozygotes.

Submission:

Labcorp Genetics (formerly Invitae), Labcorp
Classification: Uncertain significance. Last evaluated: 2022-08-07. Review status: criteria provided, single submitter. Criteria: Invitae Variant Classification Sherloc (09022015). Collection method: clinical testing. Allele origin: germline.
Comment: This sequence change replaces asparagine, which is neutral and polar, with serine, which is neutral and polar, at codon 583 of the ATP2B4 protein (p.Asn583Ser). This variant is present in population databases (rs778053821, gnomAD 0.003%). This variant has not been reported in the literature in individuals affected with ATP2B4-related conditions. In summary, the available evidence is currently insufficient to determine the role of this variant in disease. Therefore, it has been classified as a Variant of Uncertain Significance. Algorithms developed to predict the effect of missense changes on protein structure and function output the following: SIFT: "Tolerated"; PolyPhen-2: "Benign"; Align-GVGD: "Class C0". The serine amino acid residue is found in multiple mammalian species, which suggests that this missense change does not adversely affect protein function.